The following is an entry in ClinVar:

NM_001366722.1(GRIP1):c.2393C>T (p.Thr798Met)

Gene: GRIP1 (glutamate receptor interacting protein 1; minus strand). Cytogenetic location: 12q14.3.
Variant type: single nucleotide variant.
Coding change: c.2393C>T on transcript NM_001366722.1 (MANE Select); coding-DNA position 2393, C replaced by T.
Protein change: p.Thr798Met; replaces threonine 798 with methionine.
Molecular consequence: missense variant.
Genome position (GRCh38, 1-based): chr12:66,392,379, G>A on the plus strand (C>T on the coding strand, the complement: GRIP1 is on the minus strand). VCF-style: chr12-66392379-G-A. GRCh37 (hg19) VCF-style: chr12-66786159-G-A.
Other names: c.2237C>T, p.Thr746Met (NM_001178074.2, NM_001379351.1, NM_021150.4); c.2312C>T, p.Thr771Met (NM_001366723.1, NM_001379348.1); c.2315C>T, p.Thr772Met (NM_001366724.1, NM_001379347.1); c.2471C>T, p.Thr824Met (NM_001379345.1); c.2393C>T, p.Thr798Met (NM_001379346.1); c.2240C>T, p.Thr747Met (NM_001379349.1); short protein forms T798M, T747M, T771M, T824M, T746M, T772M.
Identifiers: ClinVar variation 2540277 (VCV002540277.5), dbSNP rs200363939, ClinGen allele CA6674138.

ClinVar aggregate classification (germline): Conflicting classifications of pathogenicity. Review status: criteria provided, conflicting classifications (1 of 4 stars). 4 submissions from 4 submitters: Uncertain significance (3); Likely benign (1). Last evaluated 2025-07-28.

Conditions:
Fraser syndrome 3. Identifiers: MedGen C4540040, MONDO:0054739, OMIM 617667.
Inborn genetic diseases. Identifiers: MedGen C0950123, MeSH D030342.

Allele frequency attached by ClinVar (database versions not stated): TOPMed 0.00012; gnomAD 0.00013; 1000 Genomes Project 30x 0.00016; 1000 Genomes Project 0.00020; ESP Exome Variant Server 0.00032.
gnomAD v4.1: 252 of 1,613,722 alleles (0.016%); highest among the groups gnomAD compares: South Asian, 0.019%; 1 homozygote.

Submissions (4):

Labcorp Genetics (formerly Invitae), Labcorp
Classification: Uncertain significance. Last evaluated: 2025-07-28. Review status: criteria provided, single submitter. Criteria: Invitae Variant Classification Sherloc (09022015). Collection method: clinical testing. Allele origin: germline.
Comment: This sequence change replaces threonine, which is neutral and polar, with methionine, which is neutral and non-polar, at codon 746 of the GRIP1 protein (p.Thr746Met). This variant is present in population databases (rs200363939, gnomAD 0.02%). This variant has not been reported in the literature in individuals affected with GRIP1-related conditions. ClinVar contains an entry for this variant (Variation ID: 2540277). Invitae Evidence Modeling of protein sequence and biophysical properties (such as structural, functional, and spatial information, amino acid conservation, physicochemical variation, residue mobility, and thermodynamic stability) has been performed for this missense variant. However, the output from this modeling did not meet the statistical confidence thresholds required to predict the impact of this variant on GRIP1 protein function. In summary, the available evidence is currently insufficient to determine the role of this variant in disease. Therefore, it has been classified as a Variant of Uncertain Significance.

GeneDx
Classification: Uncertain significance. Last evaluated: 2025-02-05. Review status: criteria provided, single submitter. Criteria: GeneDx Variant Classification Process June 2021. Collection method: clinical testing. Allele origin: germline. Affected: yes.
Comment: In silico analysis supports that this missense variant has a deleterious effect on protein structure/function; Has not been previously published as pathogenic or benign to our knowledge

Fulgent Genetics
Classification: Likely benign for Fraser syndrome 3. Last evaluated: 2024-04-16. Review status: criteria provided, single submitter. Criteria: ACMG Guidelines, 2015. Collection method: clinical testing. Allele origin: germline.

Ambry Genetics
Classification: Uncertain significance for Inborn genetic diseases. Last evaluated: 2023-06-06. Review status: criteria provided, single submitter. Criteria: Ambry Variant Classification Scheme 2023. Collection method: clinical testing. Allele origin: germline.